The following is an entry in ClinVar:

ClinVar aggregate classification (germline): Uncertain significance (1 of 4 stars; one submission).

Conditions:
Tuberous sclerosis 2 (TSC2). Identifiers: Orphanet 805, MedGen C1860707, MONDO:0013199, OMIM 613254.

Submission:

Labcorp Genetics (formerly Invitae), Labcorp
Classification: Uncertain significance for Tuberous sclerosis 2. Last evaluated: 2023-01-09. Review status: criteria provided, single submitter. Criteria: Invitae Variant Classification Sherloc (09022015). Collection method: clinical testing. Allele origin: germline.
Comment: In summary, the available evidence is currently insufficient to determine the role of this variant in disease. Therefore, it has been classified as a Variant of Uncertain Significance. This variant has not been reported in the literature in individuals affected with TSC2-related conditions. This variant is not present in population databases (gnomAD no frequency). This variant, c.3551_3556dup, results in the insertion of 2 amino acid(s) of the TSC2 protein (p.Ala1185_Tyr1186insSerAla), but otherwise preserves the integrity of the reading frame.

NM_000548.5(TSC2):c.3551_3556dup (p.Ala1185_Tyr1186insSerAla)

Gene: TSC2 (TSC complex subunit 2; plus strand). Cytogenetic location: 16p13.3.
Variant type: Duplication.
Coding change: c.3551_3556dup on transcript NM_000548.5 (MANE Select); coding-DNA positions 3551 to 3556, 6 bases duplicated (CGGCCT; older notation c.3551_3556dupCGGCCT).
Protein change: p.Ala1185_Tyr1186insSerAla.
Molecular consequence: inframe insertion. On other transcripts: non-coding transcript variant (5).
Genome position (GRCh38, 1-based): chr16:2,080,318-2,080,323, CGGCCT duplicated. VCF-style (leftmost placement, unchanged base first): chr16-2080317-G-GCGGCCT. GRCh37 (hg19) VCF-style: chr16-2130318-G-GCGGCCT.
Other names: c.3419_3424dup, p.Ala1141_Tyr1142insSerAla (NM_001077183.3, NM_001370404.1, NM_001406665.1); c.3551_3556dup, p.Ala1185_Tyr1186insSerAla (NM_001114382.3); c.3311_3316dup, p.Ala1105_Tyr1106insSerAla (NM_001318827.2); c.3275_3280dup, p.Ala1093_Tyr1094insSerAla (NM_001318829.2); c.2819_2824dup, p.Ala941_Tyr942insSerAla (NM_001318831.2, NM_001406687.1, NM_001406688.1); c.3452_3457dup, p.Ala1152_Tyr1153insSerAla (NM_001318832.2); c.3422_3427dup, p.Ala1142_Tyr1143insSerAla (NM_001363528.2, NM_001370405.1, NM_021055.3); c.3548_3553dup, p.Ala1184_Tyr1185insSerAla (NM_001406663.1, NM_001406664.1); and 18 more.
Identifiers: ClinVar variation 2823688 (VCV002823688.3), dbSNP rs2544102212, ClinGen allele CA2739269931.
Genomic context (GRCh38, chr16:2,080,317, plus strand): 5'-GCGAAACCTGAGAAGGCCTCAGCTGGCACCCGGGTTCCTGTGCAGGAGAAGACGAACCTG[G>GCGGCCT]CGGCCTATGTGCCCCTGCTGACCCAGGGCTGGGCGGAGATCCTGGTCCGGAGGCCCACAG-3'